The following is an entry in ClinVar:

NM_001261826.3(AP3D1):c.3573C>T (p.Val1191=)

Gene: AP3D1 (adaptor related protein complex 3 subunit delta 1; minus strand). Cytogenetic location: 19p13.3.
Variant type: single nucleotide variant.
Coding change: c.3573C>T on transcript NM_001261826.3 (MANE Select); coding-DNA position 3573, C replaced by T.
Protein change: p.Val1191=; no amino-acid change (valine 1191 retained).
Molecular consequence: synonymous variant.
Genome position (GRCh38, 1-based): chr19:2,102,248, G>A on the plus strand (C>T on the coding strand, the complement: AP3D1 is on the minus strand). VCF-style: chr19-2102248-G-A. GRCh37 (hg19) VCF-style: chr19-2102247-G-A.
Other names: p.Val1191=; c.3537C>T, p.Val1179= (NM_001374799.1); c.3387C>T, p.Val1129= (NM_003938.8).
Identifiers: ClinVar variation 2414563 (VCV002414563.8), dbSNP rs375471632, ClinGen allele CA9058314.

ClinVar aggregate classification (germline): Likely benign. Review status: criteria provided, multiple submitters, no conflicts (2 of 4 stars). 2 submissions from 2 submitters: Likely benign (2). Last evaluated 2025-02-10.

gnomAD v4.1: 34 of 1,613,510 alleles (0.0021%); highest among the groups gnomAD compares: East Asian, 0.047%; no homozygotes.

Submissions (2):

Mayo Clinic Laboratories, Mayo Clinic
Classification: Likely benign. Last evaluated: 2025-02-10. Review status: criteria provided, single submitter. Criteria: ACMG Guidelines, 2015. Collection method: clinical testing. Allele origin: germline. Observed: 1 variant allele.
Comment: BP4, BP7

Labcorp Genetics (formerly Invitae), Labcorp
Classification: Likely benign. Last evaluated: 2022-09-27. Review status: criteria provided, single submitter. Criteria: Invitae Variant Classification Sherloc (09022015). Collection method: clinical testing. Allele origin: germline.